The following is an entry in ClinVar:

NM_000051.4(ATM):c.1810C>T (p.Pro604Ser)

Gene: ATM (ATM serine/threonine kinase; plus strand). Cytogenetic location: 11q22.3.
Variant type: single nucleotide variant.
Coding change: c.1810C>T on transcript NM_000051.4 (MANE Select); coding-DNA position 1810, C replaced by T.
Protein change: p.Pro604Ser; replaces proline 604 with serine.
Molecular consequence: missense variant.
Genome position (GRCh38, 1-based): chr11:108,252,824, C>T. VCF-style: chr11-108252824-C-T. GRCh37 (hg19) VCF-style: chr11-108123551-C-T.
Other names: p.P604S:CCT>TCT; NP_000042.3:p.Pro604Ser; NM_000051.4(ATM):c.1810C>T; c.1810C>T, p.Pro604Ser (NM_001351834.2); short protein forms P604S.
Identifiers: ClinVar variation 127343 (VCV000127343.102), dbSNP rs2227922, ClinGen allele CA157068.

ClinVar aggregate classification (germline): Benign. Review status: reviewed by expert panel (3 of 4 stars). 41 submissions from 40 submitters: Benign (1). 40 of the submissions do not count toward it. Last evaluated 2025-11-11.

Conditions:
ATM-related cancer predisposition. Also called: ATM-related cancer susceptibility. Identifiers: MedGen CN377759, MONDO:0700270.
ATM-related disorder. Also called: ATM-related disorders; ATM-related condition.
Breast and/or ovarian cancer. Identifiers: MedGen CN221562.
Hereditary cancer-predisposing syndrome. Also called: Neoplastic Syndromes, Hereditary; Hereditary Cancer Syndrome; Tumor predisposition; Hereditary neoplastic syndrome. Identifiers: Orphanet 140162, MedGen C0027672, MeSH D009386, MONDO:0015356.
Hereditary breast ovarian cancer syndrome. Also called: Hereditary breast and ovarian cancer syndrome; Breast and ovarian cancer; BRCA1- and BRCA2-Associated Hereditary Breast and Ovarian Cancer; Hereditary breast and ovarian cancer; Hereditary breast and ovarian cancer syndrome (HBOC); Hereditary breast and/or ovarian cancer syndrome. Identifiers: Orphanet 145, MedGen C0677776, MeSH D061325, MONDO:0003582. Disease mechanism: loss of function.
Familial cancer of breast. Also called: hereditary breast carcinoma; BREAST CANCER, FAMILIAL; Hereditary breast cancer. Identifiers: Orphanet 227535, MedGen C0346153, MONDO:0016419, OMIM 114480. Disease mechanism: loss of function.
Ataxia-telangiectasia syndrome (AT). Also called: LOUIS-BAR SYNDROME; Cerebello-oculocutaneous telangiectasia; Immunodeficiency with ataxia telangiectasia; Ataxia-telangiectasia, complementation group E; Ataxia telangiectasia (A-T); Ataxia-telangiectasia, complementation group D. Identifiers: Orphanet 100, MedGen C0004135, MONDO:0008840, OMIM 208900.
Malignant tumor of breast. Also called: Malignant breast neoplasm; Cancer breast. Identifiers: MedGen C0006142, MONDO:0007254. Disease mechanism: loss of function.

Allele frequency attached by ClinVar (database versions not stated): gnomAD exomes 0.00190 and 0.00319; 1000 Genomes Project 0.00260; ExAC 0.00309; 1000 Genomes Project 30x 0.00312; ESP Exome Variant Server 0.00400; gnomAD 0.00403 and 0.00431; TOPMed 0.00484.
gnomAD v4.1: 3,609 of 1,608,310 alleles (0.22%); highest among the groups gnomAD compares: Middle Eastern, 1.2%; 28 homozygotes.

Submissions 1 to 16 of 41:

ClinGen Hereditary Breast, Ovarian and Pancreatic Cancer Variant Curation Expert Panel, ClinGen
Classification: Benign for ATM-related cancer predisposition. Last evaluated: 2025-11-11. Review status: reviewed by expert panel. Criteria: ClinGen HBOP ACMG Specifications ATM V1.4.0. Collection method: curation. Allele origin: germline. Inheritance: Autosomal dominant inheritance.
Comment: The c.1810C>T variant in ATM is a missense variant predicted to cause substitution of proline by serine at amino acid 604 (p.Pro604Ser). The filtering allele frequency (the lower threshold of the 95% CI of 71/6026) of the c.1810C>T variant in ATM is 0.009580 for the Middle Eastern chromosomes by gnomAD v4.1.0, which is higher than the HBOP VCEP threshold (>0.005) for BA1, and therefore meets this criterion. The computational predictor REVEL gives a score of 0.379, which is neither above nor below the thresholds predicting a damaging or benign impact on ATM function. In summary, this variant meets the criteria to be classified as benign for autosomal dominant ATM-related cancer predisposition and autosomal recessive Ataxia-Telangiectasia based on the ACMG/AMP criteria applied as specified by the HBOP VCEP. (BA1)

CeGaT Center for Human Genetics Tuebingen
Classification: Likely benign. Last evaluated: 2026-09-01. Review status: criteria provided, single submitter. Criteria: CeGaT Center For Human Genetics Tuebingen Variant Classification Criteria Version 2. Collection method: clinical testing. Allele origin: germline. Affected: yes. Observed: 45 variant alleles. Not counted in ClinVar's aggregate classification.
Comment: ATM: BP4, BS2

Labcorp Genetics (formerly Invitae), Labcorp
Classification: Benign for Ataxia-telangiectasia syndrome. Last evaluated: 2026-02-04. Review status: criteria provided, single submitter. Criteria: Invitae Variant Classification Sherloc (09022015). Collection method: clinical testing. Allele origin: germline. Not counted in ClinVar's aggregate classification.

Athena Diagnostics
Classification: Benign. Last evaluated: 2025-08-22. Review status: criteria provided, single submitter. Criteria: Athena Diagnostics Criteria. Collection method: clinical testing. Allele origin: unknown. Not counted in ClinVar's aggregate classification.
Comment: The frequency of this variant in the general population is higher than would generally be expected for pathogenic variants in this gene. Computational tools predict this amino acid change may be benign.

Dipartimento Di Medicina Di Precisione, Università Degli Studi Della Campania Luigi Vanvitelli
Classification: Likely benign for Hereditary cancer-predisposing syndrome. Last evaluated: 2025-07-14. Review status: criteria provided, single submitter. Criteria: ACMG Guidelines, 2015. Collection method: clinical testing. Allele origin: germline. Inheritance: Autosomal dominant inheritance. Affected: yes. Observed: 1 heterozygote. Not counted in ClinVar's aggregate classification.
Comment: The ATM:c.1810C>T (p.Pro604Ser) variant has been classified as likely benign based on an integrated analysis of computational predictors and ACMG/AMP criteria. In silico tools consistently indicate a minimal or no impact on protein function. Additionally, the variant is located in a non-highly conserved residue, and there is no available segregation, functional, or clinical evidence suggesting a pathogenic role. Although experimental data are lacking, the consistency of bioinformatic evidence and the absence of pathogenic features support the classification as likely benign, according to BS1 and BP4 criteria of the ACMG/AMP guidelines (adapted for the ATM gene).

Laboratorio de I+D, Fundación Centro Médico de Asturias
Classification: Benign for Hereditary cancer-predisposing syndrome. Last evaluated: 2025-07-08. Review status: criteria provided, single submitter. Criteria: ACMG Guidelines, 2015. Collection method: clinical testing. Allele origin: germline. Not counted in ClinVar's aggregate classification.
Comment: BS1+BS2+BP4_Moderate+BP1

ARUP Laboratories, Molecular Genetics and Genomics, ARUP Laboratories
Classification: Benign. Last evaluated: 2025-06-02. Review status: criteria provided, single submitter. Criteria: ARUP Molecular Germline Variant Investigation Process 2024. Collection method: clinical testing. Allele origin: germline. Not counted in ClinVar's aggregate classification.

Center for Genomic Medicine, Rigshospitalet, Copenhagen University Hospital
Classification: Benign. Last evaluated: 2025-03-04. Review status: criteria provided, single submitter. Criteria: ACMG Guidelines, 2015. Collection method: clinical testing. Allele origin: germline. Not counted in ClinVar's aggregate classification.

Myriad Genetics, Inc.
Classification: Benign for Familial cancer of breast. Last evaluated: 2024-05-01. Review status: criteria provided, single submitter. Criteria: Myriad Autosomal Dominant, Autosomal Recessive and X-Linked Classification Criteria (2023). Collection method: clinical testing. Allele origin: unknown. Not counted in ClinVar's aggregate classification.
Comment: This variant is considered benign. This variant is strongly associated with less severe personal and family histories of cancer, typical for individuals without pathogenic variants in this gene [PMID: 25085752]. This variant has been observed at a population frequency that is significantly greater than expected given the associated disease prevalence and penetrance.

KCCC/NGS Laboratory, Kuwait Cancer Control Center
Classification: Benign for Familial cancer of breast. Last evaluated: 2023-07-07. Review status: criteria provided, single submitter. Criteria: ACMG Guidelines, 2015. Collection method: clinical testing. Allele origin: germline. Affected: yes. Not counted in ClinVar's aggregate classification.

Mayo Clinic Laboratories, Mayo Clinic
Classification: Benign. Last evaluated: 2022-07-15. Review status: criteria provided, single submitter. Criteria: ACMG Guidelines, 2015. Collection method: clinical testing. Allele origin: germline. Observed: 21 variant alleles. Not counted in ClinVar's aggregate classification.

National Health Laboratory Service, Universitas Academic Hospital and University of the Free State
Classification: Benign for Hereditary breast ovarian cancer syndrome. Last evaluated: 2022-04-19. Review status: criteria provided, single submitter. Criteria: ACMG Guidelines, 2015. Collection method: clinical testing. Allele origin: germline. Affected: yes. Observed: 1 variant allele. Not counted in ClinVar's aggregate classification.

Genome-Nilou Lab
Classification: Benign for Ataxia-telangiectasia syndrome. Last evaluated: 2021-05-18. Review status: criteria provided, single submitter. Criteria: ACMG Guidelines, 2015. Collection method: clinical testing. Allele origin: germline. Affected: no. Not counted in ClinVar's aggregate classification.

Quest Diagnostics Nichols Institute San Juan Capistrano
Classification: Benign. Last evaluated: 2021-05-07. Review status: criteria provided, single submitter. Criteria: Quest Diagnostics criteria. Collection method: clinical testing. Allele origin: unknown. Not counted in ClinVar's aggregate classification.

Color Diagnostics, LLC DBA Color Health
Classification: Benign for Hereditary cancer-predisposing syndrome. Last evaluated: 2020-11-30. Review status: criteria provided, single submitter. Criteria: ACMG Guidelines, 2015. Collection method: clinical testing. Allele origin: germline. Not counted in ClinVar's aggregate classification.

Molecular Oncology Research Center, Barretos Cancer Hospital
Classification: Uncertain significance for Hereditary breast ovarian cancer syndrome. Last evaluated: 2020-08-01. Review status: criteria provided, single submitter. Criteria: ACMG Guidelines, 2015. Collection method: research. Allele origin: germline. Affected: yes. Observed: 1 variant allele. Not counted in ClinVar's aggregate classification.